The following is an entry in ClinVar:

ClinVar aggregate classification (germline): Likely pathogenic (1 of 4 stars; one submission).

Conditions:
Meckel-Gruber syndrome. Also called: GRUBER SYNDROME; DYSENCEPHALIA SPLANCHNOCYSTICA; Dysencephalia splachnocystica. Identifiers: Orphanet 564, MedGen C0265215, MONDO:0018921.
Joubert syndrome. Also called: Familial aplasia of the vermis; JOUBERT-BOLTSHAUSER SYNDROME; CEREBELLOPARENCHYMAL DISORDER IV. Identifiers: Orphanet 475, MedGen C5979921, MONDO:0018772.

Submission:

Labcorp Genetics (formerly Invitae), Labcorp
Classification: Likely pathogenic for Joubert syndrome; Meckel-Gruber syndrome. Last evaluated: 2025-11-16. Review status: criteria provided, single submitter. Criteria: Invitae Variant Classification Sherloc (09022015). Collection method: clinical testing. Allele origin: germline.
Comment: This sequence change affects a donor splice site in intron 13 of the TCTN2 gene. It is expected to disrupt RNA splicing. Variants that disrupt the donor or acceptor splice site typically lead to a loss of protein function (PMID: 16199547), and loss-of-function variants in TCTN2 are known to be pathogenic (PMID: 21565611). This variant is not present in population databases (gnomAD no frequency). This variant has not been reported in the literature in individuals affected with TCTN2-related conditions. Algorithms developed to predict the effect of sequence changes on RNA splicing suggest that this variant may disrupt the consensus splice site. In summary, the currently available evidence indicates that the variant is pathogenic, but additional data are needed to prove that conclusively. Therefore, this variant has been classified as Likely Pathogenic.

Literature cited by the submitters: PubMed 16199547; PubMed 21565611.

NM_024809.5(TCTN2):c.1505+2T>C

Gene: TCTN2 (tectonic family member 2; plus strand). Cytogenetic location: 12q24.31.
Variant type: single nucleotide variant.
Coding change: c.1505+2T>C on transcript NM_024809.5 (MANE Select); the canonical splice donor site of the intron after coding-DNA position 1505, T replaced by C.
Molecular consequence: splice donor variant.
Genome position (GRCh38, 1-based): chr12:123,697,200, T>C. VCF-style: chr12-123697200-T-C. GRCh37 (hg19) VCF-style: chr12-124181747-T-C.
Other names: c.1370+2T>C (NM_001410989.1); c.1502+2T>C (NM_001143850.3).
Identifiers: ClinVar variation 4783964 (VCV004783964.1).